The following is an entry in ClinVar:

ClinVar aggregate classification (germline): Likely pathogenic (1 of 4 stars; one submission).

Conditions:
JAG1-related disorder. Also called: JAG1-related condition; JAG1-related disorders.

Submission:

PreventionGenetics, part of Exact Sciences
Classification: Likely pathogenic for JAG1-related condition. Last evaluated: 2026-08-19. Review status: criteria provided, single submitter. Criteria: ACMG Guidelines, 2015. Collection method: clinical testing. Allele origin: germline.
Comment: The JAG1 c.1486delT variant is predicted to result in a frameshift and premature protein termination (p.Cys496Valfs*2). To our knowledge, this variant has not been reported in the literature or in a large population database (gnomAD), indicating this variant is rare. Frameshift variants in JAG1 are expected to be pathogenic. This variant is interpreted as likely pathogenic.

NM_000214.3(JAG1):c.1486del (p.Cys496fs)

Gene: JAG1 (jagged canonical Notch ligand 1; minus strand). Cytogenetic location: 20p12.2.
Variant type: Deletion.
Coding change: c.1486del on transcript NM_000214.3 (MANE Select); coding-DNA position 1486, one base deleted (T; older notation c.1486delT).
Protein change: p.Cys496fs; shifts the reading frame from cysteine 496.
Molecular consequence: frameshift variant.
Genome position (GRCh38, 1-based): chr20:10,648,632, A deleted on the plus strand (T on the coding strand, the reverse complement: JAG1 is on the minus strand). VCF-style (leftmost placement, unchanged base first): chr20-10648631-CA-C. GRCh37 (hg19) VCF-style: chr20-10629279-CA-C.
Other names: short protein forms C496fs.
Identifiers: ClinVar variation 4992782 (VCV004992782.1).
Genomic context (GRCh38, chr20:10,648,631, plus strand): 5'-CCAGTGGGACACAGACACTGGAATCTGTTGATTTCATTCTGACAGTGACCCCCATTCAAA[CA>C]GGGGTTGCTGGCACATTCATCGATGTCTCTCTCACAGTGATCGCCTGCATAGCCAGGTGG-3'